The following is an entry in ClinVar:

ClinVar aggregate classification (germline): Uncertain significance (1 of 4 stars; one submission).

gnomAD v4.1: 1 of 1,613,944 alleles (0.000062%); highest among the groups gnomAD compares: Admixed American, 0.0017%; no homozygotes.

Submission:

GeneDx
Classification: Uncertain significance. Last evaluated: 2026-02-03. Review status: criteria provided, single submitter. Criteria: GeneDx Variant Classification Process June 2021. Collection method: clinical testing. Allele origin: germline.
Comment: Not observed at significant frequency in large population cohorts (gnomAD); In silico analysis suggests that this missense variant does not alter protein structure/function; Has not been previously published as pathogenic or benign to our knowledge

NM_197968.4(ZMYM2):c.620G>A (p.Gly207Glu)

Gene: ZMYM2 (zinc finger MYM-type containing 2; plus strand). Cytogenetic location: 13q12.11.
Variant type: single nucleotide variant.
Coding change: c.620G>A on transcript NM_197968.4 (MANE Select); coding-DNA position 620, G replaced by A.
Protein change: p.Gly207Glu; replaces glycine 207 with glutamic acid.
Molecular consequence: missense variant. On other transcripts: non-coding transcript variant (1), intron variant (2).
Genome position (GRCh38, 1-based): chr13:19,993,692, G>A. VCF-style: chr13-19993692-G-A. GRCh37 (hg19) VCF-style: chr13-20567832-G-A.
Other names: c.620G>A, p.Gly207Glu (NM_001190964.4, NM_001190965.4, NM_001353157.2 and 5 more transcripts); c.492+128G>A (NM_001353163.2); c.558+128G>A (NM_001353161.3); short protein forms G207E.
Identifiers: ClinVar variation 4976102 (VCV004976102.1).
Genomic context (GRCh38, chr13:19,993,692, plus strand): 5'-TTACAACTTTAGAAACAGGTGTAAGCTCTGTGAATGATGGCCAATTAGAAAATACTGACG[G>A]GCGAGATATGAACTTAATGATTACACATGTAACATCACTGCAGAATACCAACTTGGGAGA-3'
Protein context (NP_932072.1, residues 197-217): VNDGQLENTD[Gly207Glu]RDMNLMITHV